The following is an entry in ClinVar:

ClinVar aggregate classification (germline): Benign (1 of 4 stars; one submission).

Conditions:
Ceroid lipofuscinosis, neuronal, 4 (Kufs type) (CLN4). Also called: Neuronal ceroid lipofuscinosis 4B; Ceroid lipofuscinosis, neuronal, 4, Parry type. Identifiers: Orphanet 228343, Orphanet 79262, MedGen C1834207, MONDO:0008083, OMIM 162350.

Allele frequency attached by ClinVar (database versions not stated): gnomAD exomes 0.00011; gnomAD 0.00123 and 0.00135; TOPMed 0.00127; 1000 Genomes Project 0.00140; 1000 Genomes Project 30x 0.00141.
gnomAD v4.1: 239 of 635,326 alleles (0.038%); highest among the groups gnomAD compares: African/African-American, 0.41%; no homozygotes.

Submission:

Illumina Laboratory Services, Illumina
Classification: Benign for Ceroid lipofuscinosis, neuronal, 4 (Kufs type). Last evaluated: 2018-01-13. Review status: criteria provided, single submitter. Criteria: ICSL Variant Classification Criteria 13 December 2019. Collection method: clinical testing. Allele origin: germline.
Comment: This variant was observed in the ICSL laboratory as part of a predisposition screen in an ostensibly healthy population. It had not been previously curated by ICSL or reported in the Human Gene Mutation Database (HGMD: prior to June 1st, 2018), and was therefore a candidate for classification through an automated scoring system. Utilizing variant allele frequency, disease prevalence and penetrance estimates, and inheritance mode, an automated score was calculated to assess if this variant is too frequent to cause the disease. Based on the score and internal cut-off values, a variant classified as benign is not then subjected to further curation. The score for this variant resulted in a classification of benign for this disease.

NM_025219.3(DNAJC5):c.*195G>A

Gene: DNAJC5 (DnaJ heat shock protein family (Hsp40) member C5; plus strand). Cytogenetic location: 20q13.33.
Variant type: single nucleotide variant.
Coding change: c.*195G>A on transcript NM_025219.3 (MANE Select); 195 bases downstream of the stop codon, G replaced by A.
Molecular consequence: 3 prime UTR variant.
Genome position (GRCh38, 1-based): chr20:63,931,763, G>A. VCF-style: chr20-63931763-G-A. GRCh37 (hg19) VCF-style: chr20-62563116-G-A.
Identifiers: ClinVar variation 339362 (VCV000339362.6), dbSNP rs180676568, ClinGen allele CA10652782.